The following is an entry in ClinVar:

NM_004380.3(CREBBP):c.3301C>T (p.Leu1101=)

Gene: CREBBP (CREB binding lysine acetyltransferase; minus strand). Cytogenetic location: 16p13.3.
Variant type: single nucleotide variant.
Coding change: c.3301C>T on transcript NM_004380.3 (MANE Select); coding-DNA position 3301, C replaced by T.
Protein change: p.Leu1101=; no amino-acid change (leucine 1101 retained).
Molecular consequence: synonymous variant.
Genome position (GRCh38, 1-based): chr16:3,758,922, G>A on the plus strand (C>T on the coding strand, the complement: CREBBP is on the minus strand). VCF-style: chr16-3758922-G-A. GRCh37 (hg19) VCF-style: chr16-3808923-G-A.
Other names: c.3187C>T, p.Leu1063= (NM_001079846.1).
Identifiers: ClinVar variation 730475 (VCV000730475.8), dbSNP rs766505219, ClinGen allele CA7869853.

ClinVar aggregate classification (germline): Likely benign. Review status: criteria provided, single submitter (1 of 4 stars). 2 submissions from 2 submitters: Likely benign (1). 1 of the submissions does not count toward it. Last evaluated 2025-10-03.

Conditions:
CREBBP-related disorder. Also called: CREBBP-related condition; CREBBP-related disorders.
Rubinstein-Taybi syndrome (RSTS). Identifiers: Orphanet 783, MedGen C0035934, MONDO:0019188.

Allele frequency attached by ClinVar (database versions not stated): ExAC 0.00003; TOPMed 0.00005; gnomAD exomes 0.00007 and 0.00001.
gnomAD v4.1: 14 of 1,613,174 alleles (0.00087%); highest among the groups gnomAD compares: Admixed American, 0.017%; 1 homozygote.

Submissions (2):

Labcorp Genetics (formerly Invitae), Labcorp
Classification: Likely benign for Rubinstein-Taybi syndrome. Last evaluated: 2025-10-03. Review status: criteria provided, single submitter. Criteria: Invitae Variant Classification Sherloc (09022015). Collection method: clinical testing. Allele origin: germline.

PreventionGenetics, part of Exact Sciences
Classification: Likely benign for CREBBP-related condition. Last evaluated: 2022-06-22. Review status: no assertion criteria provided. Collection method: clinical testing. Allele origin: germline. Not counted in ClinVar's aggregate classification.
Comment: This variant is classified as likely benign based on ACMG/AMP sequence variant interpretation guidelines (Richards et al. 2015 PMID: 25741868, with internal and published modifications).